The following is an entry in ClinVar:

NM_022552.5(DNMT3A):c.448+60G>C

Gene: DNMT3A (DNA methyltransferase 3 alpha; minus strand). Cytogenetic location: 2p23.3.
Variant type: single nucleotide variant.
Coding change: c.448+60G>C on transcript NM_022552.5 (MANE Select); 60 bases into the intron after coding-DNA position 448, G replaced by C.
Molecular consequence: intron variant. On other transcripts: 3 prime UTR variant (2).
Genome position (GRCh38, 1-based): chr2:25,282,381, C>G on the plus strand (G>C on the coding strand, the complement: DNMT3A is on the minus strand). VCF-style: chr2-25282381-C-G. GRCh37 (hg19) VCF-style: chr2-25505250-C-G.
Other names: c.*7G>C (NM_001320892.2, NM_175630.1); c.448+60G>C (NM_175629.2).
Identifiers: ClinVar variation 4982920 (VCV004982920.1).
Genomic context (GRCh38, chr2:25,282,381, plus strand): 5'-AGCAGACCTTTAGCCACGACCCAGACCATCCTTCCTGGGACCTGCTGGAGAGCCAAGTCC[C>G]TGACTCTCAGGGTATGCTGGTGGGCCCAGAAGAGGCTGCCCCTGGTGCTGAGGACTCACC-3'

ClinVar aggregate classification (germline): Likely benign (1 of 4 stars; one submission).

Conditions:
DNMT3A-related disorder. Also called: DNMT3A-related disorders; DNMT3A-related condition.

Submission:

PreventionGenetics, part of Exact Sciences
Classification: Likely benign for DNMT3A-related condition. Last evaluated: 2026-04-12. Review status: criteria provided, single submitter. Criteria: ACMG Guidelines, 2015. Collection method: clinical testing. Allele origin: germline.
Comment: This variant is classified as likely benign based on ACMG/AMP sequence variant interpretation guidelines (Richards et al. 2015 PMID: 25741868, with internal and published modifications).